The following is an entry in ClinVar:

ClinVar aggregate classification (germline): Pathogenic/Likely pathogenic. Review status: criteria provided, multiple submitters, no conflicts (2 of 4 stars). 5 submissions from 5 submitters: Pathogenic (2); Likely pathogenic (3). Last evaluated 2026-01-19.

Conditions:
Familial hemiplegic migraine. Identifiers: MedGen C0338484, MONDO:0000700.
Migraine, familial hemiplegic, 2. Identifiers: Orphanet 569, MedGen C1865322, MONDO:0011232, OMIM 602481.
Alternating hemiplegia of childhood 1 (AHC1). Identifiers: Orphanet 2131, MedGen C3549447, MONDO:0007087, OMIM 104290.
Fetal akinesia, respiratory insufficiency, microcephaly, polymicrogyria, and dysmorphic facies. Identifiers: MedGen C5562015, MONDO:0859204, OMIM 619602.
Developmental and epileptic encephalopathy 98. Identifiers: MedGen C5562017, MONDO:0030472, OMIM 619605.
ATP1A2-related disorder. Also called: ATP1A2-related condition; ATP1A2-RELATED DISORDERS.

Allele frequency attached by ClinVar (database versions not stated): gnomAD exomes below 0.00001; ExAC 0.00001.
gnomAD v4.1: 1 of 1,613,936 alleles (0.000062%); highest among the groups gnomAD compares: South Asian, 0.0011%; no homozygotes.

Submissions (5):

Labcorp Genetics (formerly Invitae), Labcorp
Classification: Pathogenic for Familial hemiplegic migraine. Last evaluated: 2026-01-19. Review status: criteria provided, single submitter. Criteria: Invitae Variant Classification Sherloc (09022015). Collection method: clinical testing. Allele origin: germline.
Comment: This sequence change replaces arginine, which is basic and polar, with glutamine, which is neutral and polar, at codon 1002 of the ATP1A2 protein (p.Arg1002Gln). The frequency data for this variant in the population databases is considered unreliable, as metrics indicate poor data quality at this position in the gnomAD database. This missense change has been observed in individuals with clinical features of autosomal dominant familial hemiplegic migraine (PMID: 17435187; internal data). It has also been observed to segregate with disease in related individuals. ClinVar contains an entry for this variant (Variation ID: 585462). Invitae Evidence Modeling of protein sequence and biophysical properties (such as structural, functional, and spatial information, amino acid conservation, physicochemical variation, residue mobility, and thermodynamic stability) has been performed for this missense variant. However, the output from this modeling did not meet the statistical confidence thresholds required to predict the impact of this variant on ATP1A2 protein function. Experimental studies have shown that this missense change affects ATP1A2 function (PMID: 17435187, 20720542). For these reasons, this variant has been classified as Pathogenic.

Blueprint Genetics
Classification: Likely pathogenic for ATP1A2-related disorders. Last evaluated: 2023-10-18. Review status: criteria provided, single submitter. Criteria: ACMG Guidelines, 2015. Collection method: clinical testing. Allele origin: germline. Affected: yes. Observed: 2 variant alleles.

Athena Diagnostics
Classification: Likely pathogenic. Last evaluated: 2019-07-10. Review status: criteria provided, single submitter. Criteria: Athena Diagnostics Criteria. Collection method: clinical testing. Allele origin: germline.
Comment: The best available variant frequency is uninformative because there are too few occurrences in population data. Found in at least one symptomatic patient. Predicted to have a damaging effect on the protein. Damaging to protein function(s) relevant to disease mechanism.

Institute of Human Genetics, University of Leipzig Medical Center
Classification: Pathogenic for Migraine, familial hemiplegic, 2. Last evaluated: 2018-05-31. Review status: criteria provided, single submitter. Criteria: ACMG Guidelines, 2015. Collection method: clinical testing. Allele origin: germline. Affected: yes. Observed: 1 variant allele.

Juno Genomics, Hangzhou Juno Genomics, Inc
Classification: Likely pathogenic for Alternating hemiplegia of childhood 1; Developmental and epileptic encephalopathy 98; Fetal akinesia, respiratory insufficiency, microcephaly, polymicrogyria, and dysmorphic facies; Migraine, familial hemiplegic, 2. Review status: criteria provided, single submitter. Criteria: ACMG Guidelines, 2015. Collection method: clinical testing. Allele origin: germline.
Comment: Absent from controls (or at extremely low frequency if recessive) in Genome Aggregation Database.;Missense variant in a gene that has a low rate of benign missense variation.;The prevalence of the variant in affected individuals is significantly increased compared to the prevalence in controls.;Patient's phenotype or family history is highly specific for a disease with a single genetic etiology.;Multiple lines of computational evidence support a deleterious effect on the gene or gene product.

Literature cited by the submitters: PubMed 17435187 (cited by Labcorp Genetics (formerly Invitae), Labcorp and Athena Diagnostics); PubMed 20720542 (cited by Labcorp Genetics (formerly Invitae), Labcorp and Athena Diagnostics).

NM_000702.4(ATP1A2):c.3005G>A (p.Arg1002Gln)

Gene: ATP1A2 (ATPase Na+/K+ transporting subunit alpha 2; plus strand). Cytogenetic location: 1q23.2.
Variant type: single nucleotide variant.
Coding change: c.3005G>A on transcript NM_000702.4 (MANE Select); coding-DNA position 3005, G replaced by A.
Protein change: p.Arg1002Gln; replaces arginine 1002 with glutamine.
Molecular consequence: missense variant.
Genome position (GRCh38, 1-based): chr1:160,139,955, G>A. VCF-style: chr1-160139955-G-A. GRCh37 (hg19) VCF-style: chr1-160109745-G-A.
Other names: short protein forms R1002Q.
Identifiers: ClinVar variation 585462 (VCV000585462.13), dbSNP rs757310141, ClinGen allele CA1194905.